The following is an entry in ClinVar:

ClinVar aggregate classification (germline): Conflicting classifications of pathogenicity. Review status: criteria provided, conflicting classifications (1 of 4 stars). 3 submissions from 3 submitters: Uncertain significance (2); Likely benign (1). Last evaluated 2023-10-17.

Conditions:
Hereditary breast ovarian cancer syndrome. Also called: Hereditary breast and ovarian cancer syndrome; Hereditary breast and ovarian cancer; Hereditary breast and ovarian cancer syndrome (HBOC); Breast and ovarian cancer; Hereditary breast and/or ovarian cancer syndrome; BRCA1- and BRCA2-Associated Hereditary Breast and Ovarian Cancer. Identifiers: Orphanet 145, MedGen C0677776, MeSH D061325, MONDO:0003582. Disease mechanism: loss of function.
Hereditary cancer-predisposing syndrome. Also called: Neoplastic Syndromes, Hereditary; Tumor predisposition; Hereditary Cancer Syndrome; Hereditary neoplastic syndrome. Identifiers: Orphanet 140162, MedGen C0027672, MeSH D009386, MONDO:0015356.

Submissions (3):

Labcorp Genetics (formerly Invitae), Labcorp
Classification: Uncertain significance for Hereditary breast ovarian cancer syndrome. Last evaluated: 2023-10-17. Review status: criteria provided, single submitter. Criteria: Invitae Variant Classification Sherloc (09022015). Collection method: clinical testing. Allele origin: germline.
Comment: This sequence change replaces histidine, which is basic and polar, with aspartic acid, which is acidic and polar, at codon 739 of the BRCA2 protein (p.His739Asp). This variant is not present in population databases (gnomAD no frequency). This variant has not been reported in the literature in individuals affected with BRCA2-related conditions. ClinVar contains an entry for this variant (Variation ID: 483063). Advanced modeling of protein sequence and biophysical properties (such as structural, functional, and spatial information, amino acid conservation, physicochemical variation, residue mobility, and thermodynamic stability) performed at Invitae indicates that this missense variant is not expected to disrupt BRCA2 protein function. In summary, the available evidence is currently insufficient to determine the role of this variant in disease. Therefore, it has been classified as a Variant of Uncertain Significance.

University of Washington Department of Laboratory Medicine, University of Washington
Classification: Likely benign for Hereditary cancer-predisposing syndrome. Last evaluated: 2023-03-23. Review status: criteria provided, single submitter. Criteria: Dines et al. (Genet Med. 2020). Collection method: curation. Allele origin: germline.
Comment: Missense variant in a coldspot region where missense variants are very unlikely to be pathogenic (PMID:31911673).

BRCA2 exon 11 coldspot. Reclassification based on statistical prior probability.

Ambry Genetics
Classification: Uncertain significance for Hereditary cancer-predisposing syndrome. Last evaluated: 2016-11-01. Review status: criteria provided, single submitter. Criteria: Ambry Variant Classification Scheme 2023. Collection method: clinical testing. Allele origin: germline.
Comment: The p.H739D variant (also known as c.2215C>G), located in coding exon 10 of the BRCA2 gene, results from a C to G substitution at nucleotide position 2215. The histidine at codon 739 is replaced by aspartic acid, an amino acid with similar properties. This variant was not reported in population based cohorts in the following databases: Database of Single Nucleotide Polymorphisms (dbSNP), NHLBI Exome Sequencing Project (ESP), and 1000 Genomes Project. In the ESP, this variant was not observed in 6503 samples (13006 alleles) with coverage at this position. To date, this alteration has been detected with an allele frequency of approximately 0.0003% (greater than 300000 alleles tested) in our clinical cohort. This amino acid position is not well conserved in available vertebrate species. In addition, this alteration is predicted to be tolerated by in silico analysis. Since supporting evidence is limited at this time, the clinical significance of this alteration remains unclear.

NM_000059.4(BRCA2):c.2215C>G (p.His739Asp)

Gene: BRCA2 (BRCA2 DNA repair associated; plus strand). Cytogenetic location: 13q13.1.
Variant type: single nucleotide variant.
Coding change: c.2215C>G on transcript NM_000059.4 (MANE Select); coding-DNA position 2215, C replaced by G.
Protein change: p.His739Asp; replaces histidine 739 with aspartic acid.
Molecular consequence: missense variant.
Genome position (GRCh38, 1-based): chr13:32,336,570, C>G. VCF-style: chr13-32336570-C-G. GRCh37 (hg19) VCF-style: chr13-32910707-C-G.
Other names: short protein forms H739D.
Identifiers: ClinVar variation 483063 (VCV000483063.10), dbSNP rs1555282536, ClinGen allele CA387770616.